The following is an entry in ClinVar:

NM_005515.4(MNX1):c.196_211del (p.Pro66fs)

Gene: MNX1 (motor neuron and pancreas homeobox 1; minus strand). Cytogenetic location: 7q36.3.
Variant type: Deletion.
Coding change: c.196_211del on transcript NM_005515.4 (MANE Select); coding-DNA positions 196 to 211, 16 bases deleted (CCGGCTGCGCCCGCCG).
Protein change: p.Pro66fs; shifts the reading frame from proline 66.
Molecular consequence: frameshift variant.
Genome position (GRCh38, 1-based): chr7:157,010,140-157,010,155, CGGCGGGCGCAGCCGG deleted on the plus strand (CCGGCTGCGCCCGCCG on the coding strand, the reverse complement: MNX1 is on the minus strand); deleting any 16 consecutive bases within chr7:157,010,140-157,010,159 gives the same sequence; the c. name uses the placement nearest the transcript's 3' end. VCF-style (leftmost placement, unchanged base first): chr7-157010139-TCGGCGGGCGCAGCCGG-T. GRCh37 (hg19) VCF-style: chr7-156802833-TCGGCGGGCGCAGCCGG-T.
Other names: short protein forms P66fs.
Identifiers: ClinVar variation 3658790 (VCV003658790.2).

ClinVar aggregate classification (germline): Pathogenic (1 of 4 stars; one submission).

Submission:

Labcorp Genetics (formerly Invitae), Labcorp
Classification: Pathogenic. Last evaluated: 2024-07-04. Review status: criteria provided, single submitter. Criteria: Invitae Variant Classification Sherloc (09022015). Collection method: clinical testing. Allele origin: germline.
Comment: This sequence change creates a premature translational stop signal (p.Pro66Thrfs*151) in the MNX1 gene. It is expected to result in an absent or disrupted protein product. Loss-of-function variants in MNX1 are known to be pathogenic (PMID: 10631160, 10749657, 16254195, 24095820). The frequency data for this variant in the population databases is considered unreliable, as metrics indicate insufficient coverage at this position in the gnomAD database. This variant has not been reported in the literature in individuals affected with MNX1-related conditions. For these reasons, this variant has been classified as Pathogenic.

Literature cited by the submitters: PubMed 10631160; PubMed 10749657; PubMed 16254195; PubMed 24095820.